The following is an entry in ClinVar:

NM_006904.7(PRKDC):c.8243T>G (p.Val2748Gly)

Gene: PRKDC (protein kinase, DNA-activated, catalytic subunit; minus strand). Cytogenetic location: 8q11.21.
Variant type: single nucleotide variant.
Coding change: c.8243T>G on transcript NM_006904.7 (MANE Select); coding-DNA position 8243, T replaced by G.
Protein change: p.Val2748Gly; replaces valine 2748 with glycine.
Molecular consequence: missense variant.
Genome position (GRCh38, 1-based): chr8:47,831,836, A>C on the plus strand (T>G on the coding strand, the complement: PRKDC is on the minus strand). VCF-style: chr8-47831836-A-C. GRCh37 (hg19) VCF-style: chr8-48744397-A-C.
Other names: c.8243T>G, p.Val2748Gly (NM_001081640.2); short protein forms V2748G.
Identifiers: ClinVar variation 1762602 (VCV001762602.2), dbSNP rs2551866801, ClinGen allele CA371147577.
Genomic context (GRCh38, chr8:47,831,836, plus strand): 5'-CTGCATCGTTCTGATCAAATTCTTGACAAGATACAAACCTTCTCTCGTTTTTGCTCAGCA[A>C]CGCCTTTTCTGGCATACATCAAACTGAGCTTCTCCTGGTCCCTCATAAACCGTCTGCGCA-3'
Protein context (NP_008835.5, residues 2738-2758): KLSLMYARKG[Val2748Gly]AEQKREKEIK

ClinVar aggregate classification (germline): Uncertain significance (1 of 4 stars; one submission).

Submission:

Ambry Genetics
Classification: Uncertain significance. Last evaluated: 2022-08-24. Review status: criteria provided, single submitter. Criteria: Ambry Variant Classification Scheme 2023. Collection method: clinical testing. Allele origin: germline.
Comment: The p.V2748G variant (also known as c.8243T>G), located in coding exon 60 of the PRKDC gene, results from a T to G substitution at nucleotide position 8243. The valine at codon 2748 is replaced by glycine, an amino acid with dissimilar properties. This amino acid position is conserved. Since supporting evidence is limited at this time, the clinical significance of this alteration remains unclear.